The following is an entry in ClinVar:

NM_000535.7(PMS2):c.1025_1027del (p.Gln342_Ile343delinsLeu)

Gene: PMS2 (PMS1 homolog 2, mismatch repair system component; minus strand). Cytogenetic location: 7p22.1.
Variant type: Deletion.
Coding change: c.1025_1027del on transcript NM_000535.7 (MANE Select); coding-DNA positions 1025 to 1027, 3 bases deleted (AAA; older notation c.1025_1027delAAA).
Protein change: p.Gln342_Ile343delinsLeu.
Molecular consequence: inframe indel. On other transcripts: non-coding transcript variant (1), intron variant (10).
Genome position (GRCh38, 1-based): chr7:5,989,917-5,989,919, TTT deleted on the plus strand (AAA on the coding strand, the reverse complement: PMS2 is on the minus strand). VCF-style (leftmost placement, unchanged base first): chr7-5989916-ATTT-A. GRCh37 (hg19) VCF-style: chr7-6029547-ATTT-A.
Other names: c.620_622delAAA, p.Gln207_Ile208delinsLeu (NM_001018040.1); c.620_622del, p.Gln207_Ile208delinsLeu (NM_001322003.2, NM_001322004.2, NM_001322005.2 and 16 more transcripts); c.707_709del, p.Gln236_Ile237delinsLeu (NM_001322007.2, NM_001322008.2, NM_001406876.1 and 2 more transcripts); c.92_94del, p.Gln31_Ile32delinsLeu (NM_001322011.2, NM_001322012.2); c.452_454del, p.Gln151_Ile152delinsLeu (NM_001322013.2, NM_001406909.1); c.1025_1027del, p.Gln342_Ile343delinsLeu (NM_001322014.2, NM_001406871.1, NM_001406872.1); c.716_718del, p.Gln239_Ile240delinsLeu (NM_001322015.2, NM_001406875.1, NM_001406877.1 and 5 more transcripts); c.1211_1213del, p.Gln404_Ile405delinsLeu (NM_001406866.1); and 14 more.
Identifiers: ClinVar variation 2834942 (VCV002834942.3), dbSNP rs2535936294, ClinGen allele CA2739266239.

ClinVar aggregate classification (germline): Uncertain significance (1 of 4 stars; one submission).

Conditions:
Hereditary nonpolyposis colorectal neoplasms. Identifiers: MedGen C0009405, MeSH D003123.

Submission:

Labcorp Genetics (formerly Invitae), Labcorp
Classification: Uncertain significance for Hereditary nonpolyposis colorectal neoplasms. Last evaluated: 2024-03-06. Review status: criteria provided, single submitter. Criteria: Invitae Variant Classification Sherloc (09022015). Collection method: clinical testing. Allele origin: germline.
Comment: This variant, c.1025_1027del, is a complex sequence change that results in the deletion of 2 and insertion of 1 amino acid(s) in the PMS2 protein (p.Gln342_Ile343delinsLeu). This variant is not present in population databases (gnomAD no frequency). This variant has not been reported in the literature in individuals affected with PMS2-related conditions. Experimental studies and prediction algorithms are not available or were not evaluated, and the functional significance of this variant is currently unknown. In summary, the available evidence is currently insufficient to determine the role of this variant in disease. Therefore, it has been classified as a Variant of Uncertain Significance.